The following is an entry in ClinVar:

ClinVar aggregate classification (germline): Uncertain significance. Review status: criteria provided, multiple submitters, no conflicts (2 of 4 stars). 2 submissions from 2 submitters: Uncertain significance (2). Last evaluated 2023-11-21.

Conditions:
Cardiovascular phenotype. Identifiers: MedGen CN230736.
Primary dilated cardiomyopathy (DCM). Also called: Dilated Cardiomyopathy. Identifiers: Orphanet 217604, MedGen C0007193, MeSH D002311, MONDO:0005021, HP:0001644. Inheritance: Various modes of inheritance.

Submissions (2):

Labcorp Genetics (formerly Invitae), Labcorp
Classification: Uncertain significance for Primary dilated cardiomyopathy. Last evaluated: 2023-11-21. Review status: criteria provided, single submitter. Criteria: Invitae Variant Classification Sherloc (09022015). Collection method: clinical testing. Allele origin: germline.
Comment: This sequence change replaces glutamine, which is neutral and polar, with arginine, which is basic and polar, at codon 421 of the TXNRD2 protein (p.Gln421Arg). This variant is not present in population databases (gnomAD no frequency). This variant has not been reported in the literature in individuals affected with TXNRD2-related conditions. ClinVar contains an entry for this variant (Variation ID: 1763387). An algorithm developed to predict the effect of missense changes on protein structure and function (PolyPhen-2) suggests that this variant is likely to be tolerated. In summary, the available evidence is currently insufficient to determine the role of this variant in disease. Therefore, it has been classified as a Variant of Uncertain Significance.

Ambry Genetics
Classification: Uncertain significance for Cardiovascular phenotype. Last evaluated: 2021-01-11. Review status: criteria provided, single submitter. Criteria: Ambry Variant Classification Scheme 2023. Collection method: clinical testing. Allele origin: germline.
Comment: The p.Q421R variant (also known as c.1262A>G), located in coding exon 14 of the TXNRD2 gene, results from an A to G substitution at nucleotide position 1262. The glutamine at codon 421 is replaced by arginine, an amino acid with highly similar properties. This amino acid position is not well conserved in available vertebrate species. In addition, this alteration is predicted to be tolerated by in silico analysis. Since supporting evidence is limited at this time, the clinical significance of this alteration remains unclear.

NM_006440.5(TXNRD2):c.1262A>G (p.Gln421Arg)

Gene: TXNRD2 (thioredoxin reductase 2; minus strand). Cytogenetic location: 22q11.21.
Variant type: single nucleotide variant.
Coding change: c.1262A>G on transcript NM_006440.5 (MANE Select); coding-DNA position 1262, A replaced by G.
Protein change: p.Gln421Arg; replaces glutamine 421 with arginine.
Molecular consequence: missense variant. On other transcripts: non-coding transcript variant (1).
Genome position (GRCh38, 1-based): chr22:19,880,192, T>C on the plus strand (A>G on the coding strand, the complement: TXNRD2 is on the minus strand). VCF-style: chr22-19880192-T-C. GRCh37 (hg19) VCF-style: chr22-19867715-T-C.
Other names: c.1259A>G, p.Gln420Arg (NM_001352300.2); c.1172A>G, p.Gln391Arg (NM_001352301.2); c.974A>G, p.Gln325Arg (NM_001352302.2); short protein forms Q420R, Q421R, Q325R, Q391R.
Identifiers: ClinVar variation 1763387 (VCV001763387.5), dbSNP rs2517274829, ClinGen allele CA410680877.